The following is an entry in ClinVar:

NM_001142800.2(EYS):c.6734C>T (p.Thr2245Met)

Gene: EYS (EGF-like photoreceptor maintenance factor; minus strand). Cytogenetic location: 6q12.
Variant type: single nucleotide variant.
Coding change: c.6734C>T on transcript NM_001142800.2 (MANE Select); coding-DNA position 6734, C replaced by T.
Protein change: p.Thr2245Met; replaces threonine 2245 with methionine.
Molecular consequence: missense variant.
Genome position (GRCh38, 1-based): chr6:63,999,175, G>A on the plus strand (C>T on the coding strand, the complement: EYS is on the minus strand). VCF-style: chr6-63999175-G-A. GRCh37 (hg19) VCF-style: chr6-64709068-G-A.
Other names: c.6734C>T, p.Thr2245Met (NM_001292009.2); short protein forms T2245M.
Identifiers: ClinVar variation 2070107 (VCV002070107.4), dbSNP rs758769842, ClinGen allele CA3876879.

ClinVar aggregate classification (germline): Conflicting classifications of pathogenicity. Review status: criteria provided, conflicting classifications (1 of 4 stars). 3 submissions from 3 submitters: Uncertain significance (2); Likely benign (1). Last evaluated 2025-01-06.

Conditions:
Inborn genetic diseases. Identifiers: MedGen C0950123, MeSH D030342.

Allele frequency attached by ClinVar (database versions not stated): gnomAD 0.00005; TOPMed 0.00009.
gnomAD v4.1: 48 of 1,550,578 alleles (0.0031%); highest among the groups gnomAD compares: Middle Eastern, 0.05%; 2 homozygotes.

Submissions (3):

Labcorp Genetics (formerly Invitae), Labcorp
Classification: Uncertain significance. Last evaluated: 2025-01-06. Review status: criteria provided, single submitter. Criteria: Invitae Variant Classification Sherloc (09022015). Collection method: clinical testing. Allele origin: germline.
Comment: This sequence change replaces threonine, which is neutral and polar, with methionine, which is neutral and non-polar, at codon 2245 of the EYS protein (p.Thr2245Met). This variant is present in population databases (rs758769842, gnomAD 0.02%). This variant has not been reported in the literature in individuals affected with EYS-related conditions. ClinVar contains an entry for this variant (Variation ID: 2070107). Invitae Evidence Modeling of protein sequence and biophysical properties (such as structural, functional, and spatial information, amino acid conservation, physicochemical variation, residue mobility, and thermodynamic stability) indicates that this missense variant is not expected to disrupt EYS protein function with a negative predictive value of 80%. In summary, the available evidence is currently insufficient to determine the role of this variant in disease. Therefore, it has been classified as a Variant of Uncertain Significance.

Blueprint Genetics
Classification: Uncertain significance. Last evaluated: 2023-07-12. Review status: criteria provided, single submitter. Criteria: ACMG Guidelines, 2015. Collection method: clinical testing. Allele origin: germline.

Ambry Genetics
Classification: Likely benign for Inborn genetic diseases. Last evaluated: 2021-09-16. Review status: criteria provided, single submitter. Criteria: Ambry Variant Classification Scheme 2023. Collection method: clinical testing. Allele origin: germline.